The following is an entry in ClinVar:

NM_001031710.3(KLHL7):c.371A>G (p.Tyr124Cys)

Gene: KLHL7 (kelch like family member 7; plus strand). Cytogenetic location: 7p15.3.
Variant type: single nucleotide variant.
Coding change: c.371A>G on transcript NM_001031710.3 (MANE Select); coding-DNA position 371, A replaced by G.
Protein change: p.Tyr124Cys; replaces tyrosine 124 with cysteine.
Molecular consequence: missense variant. On other transcripts: non-coding transcript variant (2).
Genome position (GRCh38, 1-based): chr7:23,125,101, A>G. VCF-style: chr7-23125101-A-G. GRCh37 (hg19) VCF-style: chr7-23164720-A-G.
Other names: c.371A>G, p.Tyr124Cys (NM_001172428.2); c.227A>G, p.Tyr76Cys (NM_018846.5); short protein forms Y124C, Y76C.
Identifiers: ClinVar variation 1720179 (VCV001720179.6), dbSNP rs2534811640, ClinGen allele CA366975617.
Genomic context (GRCh38, chr7:23,125,101, plus strand): 5'-TTTGCAGAATTTCCGTGAATAGCAACAATGTTCAGTCTTTGCTGGATGCAGCAAACCAAT[A>G]TCAGATTGAACCTGTGAAGAAAATGTGTGTTGATTTTTTGAAAGAACAAGTTGATGCTTC-3'
Protein context (NP_001026880.2, residues 114-134): VQSLLDAANQ[Tyr124Cys]QIEPVKKMCV

ClinVar aggregate classification (germline): Uncertain significance. Review status: criteria provided, multiple submitters, no conflicts (2 of 4 stars). 2 submissions from 2 submitters: Uncertain significance (2). Last evaluated 2025-05-12.

Submissions (2):

Labcorp Genetics (formerly Invitae), Labcorp
Classification: Uncertain significance. Last evaluated: 2025-05-12. Review status: criteria provided, single submitter. Criteria: Invitae Variant Classification Sherloc (09022015). Collection method: clinical testing. Allele origin: germline.
Comment: This sequence change replaces tyrosine, which is neutral and polar, with cysteine, which is neutral and slightly polar, at codon 124 of the KLHL7 protein (p.Tyr124Cys). This variant is not present in population databases (gnomAD no frequency). This variant has not been reported in the literature in individuals affected with KLHL7-related conditions. ClinVar contains an entry for this variant (Variation ID: 1720179). An algorithm developed to predict the effect of missense changes on protein structure and function (PolyPhen-2) suggests that this variant is likely to be disruptive. In summary, the available evidence is currently insufficient to determine the role of this variant in disease. Therefore, it has been classified as a Variant of Uncertain Significance.

Blueprint Genetics
Classification: Uncertain significance. Last evaluated: 2024-01-17. Review status: criteria provided, single submitter. Criteria: ACMG Guidelines, 2015. Collection method: clinical testing. Allele origin: germline.